The following is an entry in ClinVar:

NM_000384.3(APOB):c.3192C>T (p.Val1064=)

Gene: APOB (apolipoprotein B; minus strand). Cytogenetic location: 2p24.1.
Variant type: single nucleotide variant.
Coding change: c.3192C>T on transcript NM_000384.3 (MANE Select); coding-DNA position 3192, C replaced by T.
Protein change: p.Val1064=; no amino-acid change (valine 1064 retained).
Molecular consequence: synonymous variant.
Genome position (GRCh38, 1-based): chr2:21,016,579, G>A on the plus strand (C>T on the coding strand, the complement: APOB is on the minus strand). VCF-style: chr2-21016579-G-A. GRCh37 (hg19) VCF-style: chr2-21239451-G-A.
Identifiers: ClinVar variation 928135 (VCV000928135.19), dbSNP rs771410440, ClinGen allele CA058230.

ClinVar aggregate classification (germline): Likely benign. Review status: criteria provided, multiple submitters, no conflicts (2 of 4 stars). 4 submissions from 4 submitters: Likely benign (4). Last evaluated 2025-11-01.

Conditions:
Hypercholesterolemia, autosomal dominant, type B (FHCL2). Also called: Familial Hypercholesterolemia Type B; Hyperlipoproteinemia Type IIb; APOB-Related Familial Hypercholesterolemia, Autosomal Dominant; Familial hypercholesterolemia 2; HYPERCHOLESTEROLEMIA, FAMILIAL, DUE TO LIGAND-DEFECTIVE APOLIPOPROTEIN B; APOLIPOPROTEIN B-100, FAMILIAL DEFECTIVE. Identifiers: MedGen C1704417, MONDO:0007751, OMIM 144010.
Familial hypobetalipoproteinemia 1. Also called: Hypobetalipoproteinemia, normotriglyceridemic; Acanthocytosis with hypobetalipoproteinemia; APOB-Related Familial Hypobetalipoproteinemia. Identifiers: MedGen C4551990, MONDO:0014252, OMIM 615558.
Familial hypercholesterolemia. Also called: Familial hypercholesterolemias; Familial hypercholesterolaemia. Identifiers: MedGen C0020445, MONDO:0005439.
Cardiovascular phenotype. Identifiers: MedGen CN230736.

Allele frequency attached by ClinVar (database versions not stated): gnomAD 0.00001; TOPMed 0.00001; gnomAD exomes 0.00002; ExAC 0.00003.
gnomAD v4.1: 31 of 1,611,752 alleles (0.0019%); highest among the groups gnomAD compares: Middle Eastern, 0.033%; no homozygotes.

Submissions (4):

CeGaT Center for Human Genetics Tuebingen
Classification: Likely benign. Last evaluated: 2025-11-01. Review status: criteria provided, single submitter. Criteria: CeGaT Center For Human Genetics Tuebingen Variant Classification Criteria Version 2. Collection method: clinical testing. Allele origin: germline. Affected: yes. Observed: 1 variant allele.
Comment: APOB: BP4, BP7

Labcorp Genetics (formerly Invitae), Labcorp
Classification: Likely benign for Familial hypobetalipoproteinemia 1; Hypercholesterolemia, autosomal dominant, type B. Last evaluated: 2025-09-24. Review status: criteria provided, single submitter. Criteria: Invitae Variant Classification Sherloc (09022015). Collection method: clinical testing. Allele origin: germline.

GENinCode PLC
Classification: Likely benign for Familial hypercholesterolemia. Last evaluated: 2025-04-11. Review status: criteria provided, single submitter. Criteria: ACMG Guidelines, 2015. Collection method: clinical testing. Allele origin: germline.
Comment: This is a synonymous (silent) variant that is not predicted to impact splicing and occurs at a nucleotide which is not highly conserved. This variant has been classified as Likely Benign (BP4, BP7).

Ambry Genetics
Classification: Likely benign for Cardiovascular phenotype. Last evaluated: 2019-11-20. Review status: criteria provided, single submitter. Criteria: Ambry Variant Classification Scheme 2023. Collection method: clinical testing. Allele origin: germline.